The following is an entry in ClinVar:

ClinVar aggregate classification (germline): Conflicting classifications of pathogenicity. Review status: criteria provided, conflicting classifications (1 of 4 stars). 4 submissions from 4 submitters: Uncertain significance (1); Benign (1); Likely benign (1). 1 of the submissions does not count toward it. Last evaluated 2025-12-16.

Conditions:
Inborn genetic diseases. Identifiers: MedGen C0950123, MeSH D030342.
Menkes kinky-hair syndrome (MNK). Also called: Classic Menkes Disease; Copper transport disease; Menkes Disease. Identifiers: Orphanet 565, MedGen C0022716, MONDO:0010651, OMIM 309400.
Cutis laxa, X-linked (OHS). Also called: EDS IX; Occipital horn syndrome. Identifiers: Orphanet 198, MedGen C0268353, MONDO:0010572, OMIM 304150.
X-linked distal spinal muscular atrophy type 3. Also called: NEURONOPATHY, DISTAL HEREDITARY MOTOR, X-LINKED; NEUROPATHY, DISTAL HEREDITARY MOTOR, X-LINKED; ATP7A-Related Distal Motor Neuropathy; SPINAL MUSCULAR ATROPHY, DISTAL, X-LINKED RECESSIVE. Identifiers: Orphanet 139557, MedGen C1845359, MONDO:0010338, OMIM 300489.

Allele frequency attached by ClinVar (database versions not stated): ExAC 0.00001; gnomAD exomes 0.00001 and 0.00008; gnomAD 0.00003; TOPMed 0.00004.
gnomAD v4.1: 88 of 1,209,098 alleles (0.0073%); highest among the groups gnomAD compares: Non-Finnish European, 0.0093%; no homozygotes.

Submissions (4):

Labcorp Genetics (formerly Invitae), Labcorp
Classification: Benign for X-linked distal spinal muscular atrophy type 3; Cutis laxa, X-linked; Menkes kinky-hair syndrome. Last evaluated: 2025-12-16. Review status: criteria provided, single submitter. Criteria: Invitae Variant Classification Sherloc (09022015). Collection method: clinical testing. Allele origin: germline.

Ambry Genetics
Classification: Likely benign for Inborn genetic diseases. Last evaluated: 2024-01-02. Review status: criteria provided, single submitter. Criteria: Ambry Variant Classification Scheme 2023. Collection method: clinical testing. Allele origin: germline.

GeneDx
Classification: Uncertain significance. Last evaluated: 2023-09-15. Review status: criteria provided, single submitter. Criteria: GeneDx Variant Classification Process June 2021. Collection method: clinical testing. Allele origin: germline. Affected: yes.
Comment: Has not been previously published as pathogenic or benign in association with a connective tissue disorder to our knowledge; In silico analysis supports that this missense variant does not alter protein structure/function; This variant is associated with the following publications: (PMID: 33151932)

Natera, Inc.
Classification: Uncertain significance for Menkes kinky hair syndrome. Last evaluated: 2020-07-17. Review status: no assertion criteria provided. Collection method: clinical testing. Allele origin: germline. Not counted in ClinVar's aggregate classification.

NM_000052.7(ATP7A):c.4424A>G (p.Asn1475Ser)

Gene: ATP7A (ATPase copper transporting alpha; plus strand). Cytogenetic location: Xq21.1.
Variant type: single nucleotide variant.
Coding change: c.4424A>G on transcript NM_000052.7 (MANE Select); coding-DNA position 4424, A replaced by G.
Protein change: p.Asn1475Ser; replaces asparagine 1475 with serine.
Molecular consequence: missense variant. On other transcripts: non-coding transcript variant (1).
Genome position (GRCh38, 1-based): chrX:78,046,491, A>G. VCF-style: chrX-78046491-A-G. GRCh37 (hg19) VCF-style: chrX-77301988-A-G.
Other names: c.4190A>G, p.Asn1397Ser (NM_001282224.2); short protein forms N1475S, N1397S.
Identifiers: ClinVar variation 521337 (VCV000521337.16), dbSNP rs782774219, ClinGen allele CA10459553.